The following is an entry in ClinVar:

NM_000392.5(ABCC2):c.1390T>C (p.Leu464=)

Gene: ABCC2 (ATP binding cassette subfamily C member 2; plus strand). Cytogenetic location: 10q24.2.
Variant type: single nucleotide variant.
Coding change: c.1390T>C on transcript NM_000392.5 (MANE Select); coding-DNA position 1390, T replaced by C.
Protein change: p.Leu464=; no amino-acid change (leucine 464 retained).
Molecular consequence: synonymous variant.
Genome position (GRCh38, 1-based): chr10:99,804,199, T>C. VCF-style: chr10-99804199-T-C. GRCh37 (hg19) VCF-style: chr10-101563956-T-C.
Other names: c.1390T>C (NM_000392.4).
Identifiers: ClinVar variation 2726599 (VCV002726599.4), dbSNP rs372589136, ClinGen allele CA5643157.
Genomic context (GRCh38, chr10:99,804,199, plus strand): 5'-AGTGTTCTACAGATTGTCTTATCTATCTTCTTCCTATGGAGAGAGTTGGGACCCTCAGTC[T>C]TAGCAGGTGTTGGGGTGATGGTGCTTGTAATCCCAATTAATGCGATACTGTCCACCAAGA-3'
Protein context (NP_000383.2, residues 454-474): FLWRELGPSV[Leu464=]AGVGVMVLVI

ClinVar aggregate classification (germline): Likely benign. Review status: criteria provided, multiple submitters, no conflicts (2 of 4 stars). 2 submissions from 2 submitters: Likely benign (2). Last evaluated 2026-06-03.

Conditions:
ABCC2-related disorder. Also called: ABCC2-related condition.

Allele frequency attached by ClinVar (database versions not stated): ExAC 0.00003; gnomAD exomes 0.00003; TOPMed 0.00003; ESP Exome Variant Server 0.00008.
gnomAD v4.1: 40 of 1,614,042 alleles (0.0025%); highest among the groups gnomAD compares: Non-Finnish European, 0.0034%; no homozygotes.

Submissions (2):

PreventionGenetics, part of Exact Sciences
Classification: Likely benign for ABCC2-related condition. Last evaluated: 2026-06-03. Review status: criteria provided, single submitter. Criteria: ACMG Guidelines, 2015. Collection method: clinical testing. Allele origin: germline.
Comment: This variant is classified as likely benign based on ACMG/AMP sequence variant interpretation guidelines (Richards et al. 2015 PMID: 25741868, with internal and published modifications).

Labcorp Genetics (formerly Invitae), Labcorp
Classification: Likely benign. Last evaluated: 2023-11-14. Review status: criteria provided, single submitter. Criteria: Invitae Variant Classification Sherloc (09022015). Collection method: clinical testing. Allele origin: germline.